The following is an entry in ClinVar:

NC_000010.10:g.(68280532_68381449)_(68381543_68526021)del

Gene: CTNNA3 (catenin alpha 3; minus strand). Cytogenetic location: 10q21.3.
Variant type: Deletion.
Identifiers: ClinVar variation 4887357 (VCV004887357.1).

ClinVar aggregate classification (germline): Benign (1 of 4 stars; one submission).

Submission:

Women's Health and Genetics/Laboratory Corporation of America, LabCorp
Classification: Benign. Last evaluated: 2026-06-10. Review status: criteria provided, single submitter. Criteria: LabCorp Variant Classification Summary - May 2015. Collection method: clinical testing. Allele origin: germline.
Comment: Variant summary: The variant involves the deletion of exon 10 in the CTNNA3 gene. A presumed nomenclature of c.(1281+1_1282-1)_(1374+1_1375-1)del has been designated for the purposes of this classification. This Copy Number Variant (CNV) is predicted to result in an in-frame deletion within this gene. Current evidence is not sufficient to establish loss of function as a mechanism for disease. The variant allele was found at a frequency of 0.00046 in 21694 control chromosomes. The observed variant frequency exceeds the estimated maximal expected allele frequency for disease-causing variants in CTNNA3. Other CNVs leading to the deletion of exon 10 with different breakpoints have been reported in gnomAD SV v2.1 database (n>20). To our knowledge, no experimental evidence demonstrating its impact on protein function have been reported. ClinVar contains multiple entries for similar variants (Variation ID: 394444, 145858, 474808). Based on the evidence outlined above, the variant was classified as benign.